The following is an entry in ClinVar:

ClinVar aggregate classification (germline): Pathogenic (1 of 4 stars; one submission).

Conditions:
Familial cancer of breast. Also called: Hereditary breast cancer; hereditary breast carcinoma; BREAST CANCER, FAMILIAL. Identifiers: Orphanet 227535, MedGen C0346153, MONDO:0016419, OMIM 114480. Disease mechanism: loss of function.
Fanconi anemia complementation group J. Also called: BRIP1-Related Fanconi Anemia. Identifiers: Orphanet 84, MedGen C1836860, MONDO:0012187, OMIM 609054.

Submission:

Labcorp Genetics (formerly Invitae), Labcorp
Classification: Pathogenic for Familial cancer of breast; Fanconi anemia complementation group J. Last evaluated: 2022-09-03. Review status: criteria provided, single submitter. Criteria: Invitae Variant Classification Sherloc (09022015). Collection method: clinical testing. Allele origin: germline.
Comment: This sequence change creates a premature translational stop signal (p.Asn151Metfs*6) in the BRIP1 gene. It is expected to result in an absent or disrupted protein product. Loss-of-function variants in BRIP1 are known to be pathogenic (PMID: 16116423, 17033622, 21964575). This variant is not present in population databases (gnomAD no frequency). This premature translational stop signal has been observed in individual(s) with unspecified type of cancer (PMID: 26556299). Algorithms developed to predict the effect of sequence changes on RNA splicing suggest that this variant may disrupt the consensus splice site. For these reasons, this variant has been classified as Pathogenic.

Literature cited by the submitters: PubMed 16116423; PubMed 17033622; PubMed 21964575; PubMed 26556299.

NM_032043.3(BRIP1):c.452del (p.Asn151fs)

Gene: BRIP1 (BRCA1 interacting DNA helicase 1; minus strand). Cytogenetic location: 17q23.2.
Variant type: Deletion.
Coding change: c.452del on transcript NM_032043.3 (MANE Select); coding-DNA position 452, one base deleted (A; older notation c.452delA).
Protein change: p.Asn151fs; shifts the reading frame from asparagine 151.
Molecular consequence: frameshift variant.
Genome position (GRCh38, 1-based): chr17:61,849,184, T deleted on the plus strand (A on the coding strand, the reverse complement: BRIP1 is on the minus strand); the first of 4 consecutive T bases (chr17:61,849,184-61,849,187); deleting any one gives the same sequence. VCF-style (leftmost placement, unchanged base first): chr17-61849183-AT-A. GRCh37 (hg19) VCF-style: chr17-59926544-AT-A.
Other names: short protein forms N151fs.
Identifiers: ClinVar variation 2138094 (VCV002138094.4), dbSNP rs2545420135, ClinGen allele CA2580094508.